The following is an entry in ClinVar:

ClinVar aggregate classification (germline): Uncertain significance (0 of 4 stars; one submission).

Conditions:
SYNJ1-related disorder. Also called: SYNJ1-related condition.

gnomAD v4.1: 1 of 1,613,020 alleles (0.000062%); highest among the groups gnomAD compares: Non-Finnish European, 0.000085%; no homozygotes.

Submission:

PreventionGenetics, part of Exact Sciences
Classification: Uncertain significance for SYNJ1-related condition. Last evaluated: 2024-06-11. Review status: no assertion criteria provided. Collection method: clinical testing. Allele origin: germline.
Comment: The SYNJ1 c.1798T>C variant is predicted to result in the amino acid substitution p.Trp600Arg. To our knowledge, this variant has not been reported in the literature or in a large population database, indicating this variant is rare. At this time, the clinical significance of this variant is uncertain due to the absence of conclusive functional and genetic evidence.

NM_203446.3(SYNJ1):c.1681T>C (p.Trp561Arg)

Gene: SYNJ1 (synaptojanin 1; minus strand). Cytogenetic location: 21q22.11.
Variant type: single nucleotide variant.
Coding change: c.1681T>C on transcript NM_203446.3 (MANE Select); coding-DNA position 1681, T replaced by C.
Protein change: p.Trp561Arg; replaces tryptophan 561 with arginine.
Molecular consequence: missense variant.
Genome position (GRCh38, 1-based): chr21:32,673,385, A>G on the plus strand (T>C on the coding strand, the complement: SYNJ1 is on the minus strand). VCF-style: chr21-32673385-A-G. GRCh37 (hg19) VCF-style: chr21-34045695-A-G.
Other names: c.1681T>C, p.Trp561Arg (NM_001160302.2); c.1666T>C, p.Trp556Arg (NM_001160306.2); c.1798T>C, p.Trp600Arg (NM_003895.4); short protein forms W556R, W561R, W600R.
Identifiers: ClinVar variation 3347262 (VCV003347262.1).